The following is an entry in ClinVar:

NM_001206927.2(DNAH8):c.11521G>T (p.Glu3841Ter)

Genes: DNAH8 (dynein axonemal heavy chain 8; plus strand), DNAH8-AS1 (DNAH8 antisense RNA 1; minus strand). Cytogenetic location: 6p21.2.
Variant type: single nucleotide variant.
Coding change: c.11521G>T on transcript NM_001206927.2 (MANE Select); coding-DNA position 11521, G replaced by T.
Protein change: p.Glu3841Ter; replaces glutamic acid 3841 with a stop codon.
Molecular consequence: nonsense.
Genome position (GRCh38, 1-based): chr6:38,935,655, G>T. VCF-style: chr6-38935655-G-T. GRCh37 (hg19) VCF-style: chr6-38903431-G-T.
Other names: c.10870G>T, p.Glu3624Ter (NM_001371.4); short protein forms E3624*, E3841*.
Identifiers: ClinVar variation 4778023 (VCV004778023.1).

ClinVar aggregate classification (germline): Pathogenic (1 of 4 stars; one submission).

Conditions:
Primary ciliary dyskinesia. Also called: Ciliary dyskinesia. Identifiers: Orphanet 244, MedGen C0008780, MONDO:0016575, HP:0012265.

gnomAD v4.1: 1 of 1,613,284 alleles (0.000062%); highest among the groups gnomAD compares: Admixed American, 0.0017%; no homozygotes.

Submission:

Labcorp Genetics (formerly Invitae), Labcorp
Classification: Pathogenic for Primary ciliary dyskinesia. Last evaluated: 2025-09-02. Review status: criteria provided, single submitter. Criteria: Invitae Variant Classification Sherloc (09022015). Collection method: clinical testing. Allele origin: germline.
Comment: This sequence change creates a premature translational stop signal (p.Glu3841*) in the DNAH8 gene. It is expected to result in an absent or disrupted protein product. Loss-of-function variants in DNAH8 are known to be pathogenic (PMID: 24307375, 32619401, 32681648). The frequency data for this variant in the population databases is considered unreliable, as metrics indicate poor data quality at this position in the gnomAD database. This variant has not been reported in the literature in individuals affected with DNAH8-related conditions. Algorithms developed to predict the effect of sequence changes on RNA splicing suggest that this variant may disrupt the consensus splice site. For these reasons, this variant has been classified as Pathogenic.

Literature cited by the submitters: PubMed 24307375; PubMed 32619401; PubMed 32681648.